The following is an entry in ClinVar:

NM_004560.4(ROR2):c.2358C>G (p.Tyr786Ter)

Gene: ROR2 (receptor tyrosine kinase like orphan receptor 2; minus strand). Cytogenetic location: 9q22.31.
Variant type: single nucleotide variant.
Coding change: c.2358C>G on transcript NM_004560.4 (MANE Select); coding-DNA position 2358, C replaced by G.
Protein change: p.Tyr786Ter; replaces tyrosine 786 with a stop codon.
Molecular consequence: nonsense.
Genome position (GRCh38, 1-based): chr9:91,724,136, G>C on the plus strand (C>G on the coding strand, the complement: ROR2 is on the minus strand). VCF-style: chr9-91724136-G-C. GRCh37 (hg19) VCF-style: chr9-94486418-G-C.
Other names: short protein forms Y786*.
Identifiers: ClinVar variation 3236620 (VCV003236620.1), dbSNP rs772071230, ClinGen allele CA373794596.
Genomic context (GRCh38, chr9:91,724,136, plus strand): 5'-GCCCTTCATGGGGATGAACTGGGGCTGTGGGAAGGGCGGGGCCTTCTGCTTGGGCCCCAC[G>C]TAGCGGGCGTTGCTCACATTGCTCACTGGGCTGGTGCTCAGGGAGCTGGTCTGCGTGGTG-3'

ClinVar aggregate classification (germline): Uncertain significance (1 of 4 stars; one submission).

Conditions:
Autosomal recessive Robinow syndrome (RRS1). Also called: COSTOVERTEBRAL SEGMENTATION DEFECT WITH MESOMELIA; COVESDEM SYNDROME; ROBINOW SYNDROME, AUTOSOMAL RECESSIVE 1; ROR2-Related Robinow Syndrome. Identifiers: Orphanet 1507, Orphanet 97360, MedGen C5399974, MONDO:0009999, OMIM 268310.

Submission:

Clinical Genomics Laboratory, Washington University in St. Louis
Classification: Uncertain significance for Autosomal recessive Robinow syndrome. Last evaluated: 2024-04-11. Review status: criteria provided, single submitter. Criteria: ACMG Guidelines, 2015. Collection method: clinical testing. Allele origin: germline.
Comment: The ROR2 c.2358C>G (p.Tyr786*) variant, to our knowledge, has not been reported in the medical literature and is absent from the general population (gnomAD v.2.1.1), indicating it is not a common variant. This variant introduces a premature termination codon; however, because this occurs in the last exon, this is not predicted to lead to nonsense mediated decay, but is predicted to remove ~20% of the total length of the protein. This variant occurs in a region between a serine-threonine rich domain and proline-rich domain and all known brachydactyly type B1 pathogenic variants occur upstream or N-terminal to this variant (Habib R et al., PMID: 23238279). Due to limited information, and based on ACMG/AMP guidelines for variant interpretation (Richards S et al., PMID: 25741868), the clinical significance of this variant is uncertain at this time.